The following is an entry in ClinVar:

NM_000435.3(NOTCH3):c.3461-10C>T

Genes: MIR6795 (microRNA 6795; minus strand), NOTCH3 (notch receptor 3; minus strand). Cytogenetic location: 19p13.12.
Variant type: single nucleotide variant.
Coding change: c.3461-10C>T on transcript NM_000435.3 (MANE Select); 10 bases into the intron before coding-DNA position 3461, C replaced by T.
Molecular consequence: intron variant. On other transcripts: non-coding transcript variant (1).
Genome position (GRCh38, 1-based): chr19:15,179,292, G>A on the plus strand (C>T on the coding strand, the complement: NOTCH3 is on the minus strand). VCF-style: chr19-15179292-G-A. GRCh37 (hg19) VCF-style: chr19-15290103-G-A.
Identifiers: ClinVar variation 4978879 (VCV004978879.1).

ClinVar aggregate classification (germline): Likely benign (1 of 4 stars; one submission).

Conditions:
NOTCH3-related disorder. Also called: NOTCH3-related condition; NOTCH3-related disorders.

gnomAD v4.1: 97 of 1,611,320 alleles (0.006%); highest among the groups gnomAD compares: South Asian, 0.1%; 1 homozygote.

Submission:

PreventionGenetics, part of Exact Sciences
Classification: Likely benign for NOTCH3-related condition. Last evaluated: 2025-06-11. Review status: criteria provided, single submitter. Criteria: ACMG Guidelines, 2015. Collection method: clinical testing. Allele origin: germline.
Comment: This variant is classified as likely benign based on ACMG/AMP sequence variant interpretation guidelines (Richards et al. 2015 PMID: 25741868, with internal and published modifications).